The following is an entry in ClinVar:

NM_001363711.2(DUOX2):c.4465C>T (p.His1489Tyr)

Gene: DUOX2 (dual oxidase 2; minus strand). Cytogenetic location: 15q21.1.
Variant type: single nucleotide variant.
Coding change: c.4465C>T on transcript NM_001363711.2 (MANE Select); coding-DNA position 4465, C replaced by T.
Protein change: p.His1489Tyr; replaces histidine 1489 with tyrosine.
Molecular consequence: missense variant.
Genome position (GRCh38, 1-based): chr15:45,094,622, G>A on the plus strand (C>T on the coding strand, the complement: DUOX2 is on the minus strand). VCF-style: chr15-45094622-G-A. GRCh37 (hg19) VCF-style: chr15-45386820-G-A.
Other names: c.4465C>T, p.His1489Tyr (NM_014080.5); short protein forms H1489Y.
Identifiers: ClinVar variation 4015309 (VCV004015309.2).
Genomic context (GRCh38, chr15:45,094,622, plus strand): 5'-CCTGTGGGTGGACCTCCTGCAGGGAGTTGAAGAAGGGCTCGAAGGGGGGACGGCCAAAGT[G>A]GGTGATGGAGCGCAGGCCCGTGAACAGACTCCGGTTCAGCACTTTCTGGAAGTGCCGCTC-3'
Protein context (NP_001350640.1, residues 1479-1499): SLFTGLRSIT[His1489Tyr]FGRPPFEPFF

ClinVar aggregate classification (germline): Uncertain significance. Review status: criteria provided, multiple submitters, no conflicts (2 of 4 stars). 2 submissions from 2 submitters: Uncertain significance (2). Last evaluated 2025-05-23.

Conditions:
Inborn genetic diseases. Identifiers: MedGen C0950123, MeSH D030342.

gnomAD v4.1: 6 of 1,614,106 alleles (0.00037%); highest among the groups gnomAD compares: Admixed American, 0.0017%; no homozygotes.

Submissions (2):

Ambry Genetics
Classification: Uncertain significance for Inborn genetic diseases. Last evaluated: 2025-05-23. Review status: criteria provided, single submitter. Criteria: Ambry Variant Classification Scheme 2023. Collection method: clinical testing. Allele origin: germline.

Labcorp Genetics (formerly Invitae), Labcorp
Classification: Uncertain significance. Last evaluated: 2025-04-30. Review status: criteria provided, single submitter. Criteria: Invitae Variant Classification Sherloc (09022015). Collection method: clinical testing. Allele origin: germline.
Comment: This sequence change replaces histidine, which is basic and polar, with tyrosine, which is neutral and polar, at codon 1489 of the DUOX2 protein (p.His1489Tyr). This variant is not present in population databases (gnomAD no frequency). This variant has not been reported in the literature in individuals affected with DUOX2-related conditions. An algorithm developed to predict the effect of missense changes on protein structure and function (PolyPhen-2) suggests that this variant is likely to be disruptive. In summary, the available evidence is currently insufficient to determine the role of this variant in disease. Therefore, it has been classified as a Variant of Uncertain Significance.